The following is an entry in ClinVar:

NM_018426.3(TMEM63B):c.1942G>A (p.Gly648Arg)

Gene: TMEM63B (transmembrane protein 63B; plus strand). Cytogenetic location: 6p21.1.
Variant type: single nucleotide variant.
Coding change: c.1942G>A on transcript NM_018426.3 (MANE Select); coding-DNA position 1942, G replaced by A.
Protein change: p.Gly648Arg; replaces glycine 648 with arginine.
Molecular consequence: missense variant.
Genome position (GRCh38, 1-based): chr6:44,152,698, G>A. VCF-style: chr6-44152698-G-A. GRCh37 (hg19) VCF-style: chr6-44120435-G-A.
Other names: c.1942G>A, p.Gly648Arg (NM_001318792.1); short protein forms G648R.
Identifiers: ClinVar variation 2579533 (VCV002579533.1), dbSNP rs2128273746, ClinGen allele CA364304992.

ClinVar aggregate classification (germline): Uncertain significance (1 of 4 stars; one submission).

Allele frequency attached by ClinVar (database versions not stated): gnomAD exomes below 0.00001.
gnomAD v4.1: 3 of 1,605,186 alleles (0.00019%); highest among the groups gnomAD compares: Non-Finnish European, 0.00025%; no homozygotes.

Submission:

GeneDx
Classification: Uncertain significance. Last evaluated: 2022-03-16. Review status: criteria provided, single submitter. Criteria: GeneDx Variant Classification Process June 2021. Collection method: clinical testing. Allele origin: germline. Affected: yes.
Comment: Not observed at significant frequency in large population cohorts (gnomAD); In silico analysis supports that this missense variant has a deleterious effect on protein structure/function, and is inconclusive as to whether the variant alters gene splicing. In the absence of RNA/functional studies, the actual effect of this sequence change is unknown.; Has not been previously published as pathogenic or benign to our knowledge; Variants in candidate genes are classified as variants of uncertain significance in accordance with ACMG guidelines (Richards et al., 2015)